The following is an entry in ClinVar:

NM_001369268.1(ACAN):c.7136G>C (p.Trp2379Ser)

Gene: ACAN (aggrecan; plus strand). Cytogenetic location: 15q26.1.
Variant type: single nucleotide variant.
Coding change: c.7136G>C on transcript NM_001369268.1 (MANE Select); coding-DNA position 7136, G replaced by C.
Protein change: p.Trp2379Ser; replaces tryptophan 2379 with serine.
Molecular consequence: missense variant.
Genome position (GRCh38, 1-based): chr15:88,871,457, G>C. VCF-style: chr15-88871457-G-C. GRCh37 (hg19) VCF-style: chr15-89414688-G-C.
Other names: c.6908G>C, p.Trp2303Ser (NM_001135.4, NM_001411096.1); c.7022G>C, p.Trp2341Ser (NM_001411097.1, NM_013227.4); short protein forms W2303S, W2379S, W2341S.
Identifiers: ClinVar variation 4727366 (VCV004727366.1).

ClinVar aggregate classification (germline): Uncertain significance (1 of 4 stars; one submission).

Submission:

Labcorp Genetics (formerly Invitae), Labcorp
Classification: Uncertain significance. Last evaluated: 2025-10-23. Review status: criteria provided, single submitter. Criteria: Invitae Variant Classification Sherloc (09022015). Collection method: clinical testing. Allele origin: germline.
Comment: This sequence change replaces tryptophan, which is neutral and slightly polar, with serine, which is neutral and polar, at codon 2341 of the ACAN protein (p.Trp2341Ser). This variant is not present in population databases (gnomAD no frequency). This variant has not been reported in the literature in individuals affected with ACAN-related conditions. An algorithm developed to predict the effect of missense changes on protein structure and function (PolyPhen-2) suggests that this variant is likely to be disruptive. In summary, the available evidence is currently insufficient to determine the role of this variant in disease. Therefore, it has been classified as a Variant of Uncertain Significance.